The following is an entry in ClinVar:

NM_007347.5(AP4E1):c.2654T>A (p.Ile885Asn)

Gene: AP4E1 (adaptor related protein complex 4 subunit epsilon 1; plus strand). Cytogenetic location: 15q21.2.
Variant type: single nucleotide variant.
Coding change: c.2654T>A on transcript NM_007347.5 (MANE Select); coding-DNA position 2654, T replaced by A.
Protein change: p.Ile885Asn; replaces isoleucine 885 with asparagine.
Molecular consequence: missense variant.
Genome position (GRCh38, 1-based): chr15:50,997,633, T>A. VCF-style: chr15-50997633-T-A. GRCh37 (hg19) VCF-style: chr15-51289830-T-A.
Other names: c.2429T>A, p.Ile810Asn (NM_001252127.2); short protein forms I810N, I885N.
Identifiers: ClinVar variation 2420024 (VCV002420024.6), dbSNP rs770104383, ClinGen allele CA270526020.

ClinVar aggregate classification (germline): Uncertain significance (1 of 4 stars; one submission).

Conditions:
Spastic paraplegia. Identifiers: MedGen C0037772, HP:0001258.

Allele frequency attached by ClinVar (database versions not stated): gnomAD exomes 0.00001.
gnomAD v4.1: 3 of 1,614,048 alleles (0.00019%); highest among the groups gnomAD compares: South Asian, 0.0011%; no homozygotes.

Submission:

Labcorp Genetics (formerly Invitae), Labcorp
Classification: Uncertain significance for Spastic paraplegia. Last evaluated: 2022-04-06. Review status: criteria provided, single submitter. Criteria: Invitae Variant Classification Sherloc (09022015). Collection method: clinical testing. Allele origin: germline.
Comment: In summary, the available evidence is currently insufficient to determine the role of this variant in disease. Therefore, it has been classified as a Variant of Uncertain Significance. Algorithms developed to predict the effect of missense changes on protein structure and function are either unavailable or do not agree on the potential impact of this missense change (SIFT: "Tolerated"; PolyPhen-2: "Possibly Damaging"; Align-GVGD: "Class C0"). This variant has not been reported in the literature in individuals affected with AP4E1-related conditions. This variant is not present in population databases (gnomAD no frequency). This sequence change replaces isoleucine, which is neutral and non-polar, with asparagine, which is neutral and polar, at codon 885 of the AP4E1 protein (p.Ile885Asn).